The following is an entry in ClinVar:

ClinVar aggregate classification (germline): Pathogenic (1 of 4 stars; one submission).

Conditions:
Desmin-related myofibrillar myopathy (MFM1). Also called: Myofibrillar myopathy 1; Desminopathy; Desmin related myopathy (former name); Desmin storage myopathy (former name); MYOFIBRILLAR MYOPATHY WITH ARRHYTHMOGENIC RIGHT VENTRICULAR CARDIOMYOPATHY; DESMIN-RELATED MYOPATHY WITH ARRHYTHMOGENIC RIGHT VENTRICULAR CARDIOMYOPATHY. Identifiers: Orphanet 363543, Orphanet 98909, MedGen C1832370, MONDO:0011076, OMIM 601419.

Submission:

Labcorp Genetics (formerly Invitae), Labcorp
Classification: Pathogenic for Desmin-related myofibrillar myopathy. Last evaluated: 2024-04-08. Review status: criteria provided, single submitter. Criteria: Invitae Variant Classification Sherloc (09022015). Collection method: clinical testing. Allele origin: germline.
Comment: This sequence change creates a premature translational stop signal (p.Val176Alafs*26) in the DES gene. It is expected to result in an absent or disrupted protein product. Loss-of-function variants in DES are known to be pathogenic (PMID: 23575897). This variant is not present in population databases (gnomAD no frequency). This variant has not been reported in the literature in individuals affected with DES-related conditions. For these reasons, this variant has been classified as Pathogenic.

Literature cited by the submitters: PubMed 23575897.

NM_001927.4(DES):c.525_526dup (p.Val176fs)

Gene: DES (desmin; plus strand). Cytogenetic location: 2q35.
Variant type: Microsatellite.
Coding change: c.525_526dup on transcript NM_001927.4 (MANE Select); coding-DNA positions 525 to 526, 2 bases duplicated (CG; older notation c.525_526dupCG).
Protein change: p.Val176fs; shifts the reading frame from valine 176.
Molecular consequence: frameshift variant. On other transcripts: intron variant (1).
Genome position (GRCh38, 1-based): chr2:219,418,987-219,418,988, CG duplicated; duplicating any 2 consecutive bases within chr2:219,418,978-219,418,988 gives the same sequence; the c. name uses the placement nearest the transcript's 3' end. VCF-style (leftmost placement, unchanged base first): chr2-219418977-A-AGC. GRCh37 (hg19) VCF-style: chr2-220283699-A-AGC.
Other names: c.525_526dup, p.Val176fs (NM_001382708.1, NM_001382709.1, NM_001382710.1 and 2 more transcripts); c.495+21GC[6] (NM_001382713.1); short protein forms V176fs.
Identifiers: ClinVar variation 2091637 (VCV002091637.4), dbSNP rs769096434, ClinGen allele CA2580616703.
Genomic context (GRCh38, chr2:219,418,977, plus strand): 5'-CCGAGCTCTACGAGGAGGAGCTGCGGGAGCTGCGGCGCCAGGTGGAGGTGCTCACTAACC[A>AGC]GCGCGCGCGCGTCGACGTCGAGCGCGACAACCTGCTCGACGACCTGCAGCGGCTCAAGGC-3'